The following is an entry in ClinVar:

ClinVar aggregate classification (germline): Likely benign. Review status: criteria provided, multiple submitters, no conflicts (2 of 4 stars). 2 submissions from 2 submitters: Likely benign (2). Last evaluated 2023-07-25.

Allele frequency attached by ClinVar (database versions not stated): 1000 Genomes Project 30x 0.00021; 1000 Genomes Project 0.00026; ExAC 0.00026; ESP Exome Variant Server 0.00028; TOPMed 0.00037; gnomAD 0.00040; gnomAD exomes 0.00052.
gnomAD v4.1: 605 of 1,209,758 alleles (0.05%); highest among the groups gnomAD compares: Non-Finnish European, 0.059%; 1 homozygote.

Submissions (2):

Ambry Genetics
Classification: Likely benign. Last evaluated: 2023-07-25. Review status: criteria provided, single submitter. Criteria: Ambry Variant Classification Scheme 2023. Collection method: clinical testing. Allele origin: germline.

CeGaT Center for Human Genetics Tuebingen
Classification: Likely benign. Last evaluated: 2022-09-01. Review status: criteria provided, single submitter. Criteria: CeGaT Center For Human Genetics Tuebingen Variant Classification Criteria Version 2. Collection method: clinical testing. Allele origin: germline. Affected: yes. Observed: 2 variant alleles.
Comment: JADE3: BP4, BP7, BS1

NM_014735.5(JADE3):c.2079G>A (p.Val693=)

Gene: JADE3 (jade family PHD finger 3; plus strand). Cytogenetic location: Xp11.3.
Variant type: single nucleotide variant.
Coding change: c.2079G>A on transcript NM_014735.5 (MANE Select); coding-DNA position 2079, G replaced by A.
Protein change: p.Val693=; no amino-acid change (valine 693 retained).
Molecular consequence: synonymous variant.
Genome position (GRCh38, 1-based): chrX:47,058,684, G>A. VCF-style: chrX-47058684-G-A. GRCh37 (hg19) VCF-style: chrX-46918086-G-A.
Other names: c.2079G>A, p.Val693= (NM_001077445.3).
Identifiers: ClinVar variation 2603029 (VCV002603029.26), dbSNP rs151109669, ClinGen allele CA10394601.
Genomic context (GRCh38, chrX:47,058,684, plus strand): 5'-GTCTGGGAATGTCACCCAAAAAGACAGCTCGAGTGAGATGTTCTGTGACCAGGAGCCTGT[G>A]TTCAGCCCCCACTTGGTCAGTCAGGGCAGCTTTAGAAAATCCACTGTAGAACACTTTAGT-3'
Protein context (NP_055550.1, residues 683-703): SSEMFCDQEP[Val693=]FSPHLVSQGS